The following is an entry in ClinVar:

NM_177438.3(DICER1):c.5732G>T (p.Ser1911Ile)

Gene: DICER1 (dicer 1, ribonuclease III; minus strand). Cytogenetic location: 14q32.13.
Variant type: single nucleotide variant.
Coding change: c.5732G>T on transcript NM_177438.3 (MANE Select); coding-DNA position 5732, G replaced by T.
Protein change: p.Ser1911Ile; replaces serine 1911 with isoleucine.
Molecular consequence: missense variant. On other transcripts: 3 prime UTR variant (1), non-coding transcript variant (6).
Genome position (GRCh38, 1-based): chr14:95,090,535, C>A on the plus strand (G>T on the coding strand, the complement: DICER1 is on the minus strand). VCF-style: chr14-95090535-C-A. GRCh37 (hg19) VCF-style: chr14-95556872-C-A.
Other names: c.*79G>T (NM_001195573.1); c.5732G>T, p.Ser1911Ile (NM_001271282.3, NM_001291628.2, NM_001395677.1 and 8 more transcripts); c.5450G>T, p.Ser1817Ile (NM_001395686.1); c.5327G>T, p.Ser1776Ile (NM_001395687.1, NM_001395688.1, NM_001395689.1 and 1 more transcripts); c.5165G>T, p.Ser1722Ile (NM_001395691.1); c.4049G>T, p.Ser1350Ile (NM_001395697.1); short protein forms S1722I, S1776I, S1911I, S1817I, S1350I.
Identifiers: ClinVar variation 1749339 (VCV001749339.2), dbSNP rs2139765654, ClinGen allele CA390863015.
Genomic context (GRCh38, chr14:95,090,535, plus strand): 5'-GTTTTGAATTTTAAAAAGCGGTTTCAGCTATTGGGAACCTGAGGTTGATTAGCTTTGAGG[C>A]TTCGGAGGGCTCTTCTTGCTGCTGCAGATTTGGCAATCCTGTAACTTCGACCAACACCTT-3'
Protein context (NP_803187.1, residues 1901-1921): KSAAARRALR[Ser1911Ile]LKANQPQVPN

ClinVar aggregate classification (germline): Uncertain significance (1 of 4 stars; one submission).

Conditions:
Hereditary cancer-predisposing syndrome. Also called: Hereditary Cancer Syndrome; Hereditary neoplastic syndrome; Neoplastic Syndromes, Hereditary; Tumor predisposition. Identifiers: Orphanet 140162, MedGen C0027672, MeSH D009386, MONDO:0015356.

Submission:

Ambry Genetics
Classification: Uncertain significance for Hereditary cancer-predisposing syndrome. Last evaluated: 2021-10-29. Review status: criteria provided, single submitter. Criteria: Ambry Variant Classification Scheme 2023. Collection method: clinical testing. Allele origin: germline.
Comment: The p.S1911I variant (also known as c.5732G>T), located in coding exon 26 of the DICER1 gene, results from a G to T substitution at nucleotide position 5732. The serine at codon 1911 is replaced by isoleucine, an amino acid with dissimilar properties. This amino acid position is highly conserved in available vertebrate species. In addition, the in silico prediction for this alteration is inconclusive. Since supporting evidence is limited at this time, the clinical significance of this alteration remains unclear.